The following is an entry in ClinVar:

NM_001045.6(SLC6A4):c.1125G>A (p.Ser375=)

Genes: SLC6A4 (solute carrier family 6 member 4; minus strand), LOC130060631 (ATAC-STARR-seq lymphoblastoid active region 11991; plus strand). Cytogenetic location: 17q11.2.
Variant type: single nucleotide variant.
Coding change: c.1125G>A on transcript NM_001045.6 (MANE Select); coding-DNA position 1125, G replaced by A.
Protein change: p.Ser375=; no amino-acid change (serine 375 retained).
Molecular consequence: synonymous variant.
Genome position (GRCh38, 1-based): chr17:30,212,819, C>T on the plus strand (G>A on the coding strand, the complement: SLC6A4 is on the minus strand). VCF-style: chr17-30212819-C-T. GRCh37 (hg19) VCF-style: chr17-28539837-C-T.
Identifiers: ClinVar variation 3034406 (VCV003034406.2), dbSNP rs201149719, ClinGen allele CA8480250.
Genomic context (GRCh38, chr17:30,212,819, plus strand): 5'-AGACACATCTTCATTCCTCATCTCAGCCATGTAACCGAGCACTGTGAAGATGACAAATCC[C>T]GAAACGAAGCTCGTCATGCAGTTCACCACGCTGGTCACCAGGGCATCTCTGGAGGGGAAA-3'
Protein context (NP_001036.1, residues 365-385): SVVNCMTSFV[Ser375=]GFVIFTVLGY

ClinVar aggregate classification (germline): Likely benign (0 of 4 stars; one submission).

Conditions:
SLC6A4-related disorder. Also called: SLC6A4-related condition.

Allele frequency attached by ClinVar (database versions not stated): gnomAD 0.00005; TOPMed 0.00005; ExAC 0.00008.
gnomAD v4.1: 117 of 1,614,024 alleles (0.0072%); highest among the groups gnomAD compares: South Asian, 0.032%; no homozygotes.

Submission:

PreventionGenetics, part of Exact Sciences
Classification: Likely benign for SLC6A4-related condition. Last evaluated: 2020-10-23. Review status: no assertion criteria provided. Collection method: clinical testing. Allele origin: germline.
Comment: This variant is classified as likely benign based on ACMG/AMP sequence variant interpretation guidelines (Richards et al. 2015 PMID: 25741868, with internal and published modifications).